The following is an entry in ClinVar:

ClinVar aggregate classification (germline): Pathogenic/Likely pathogenic. Review status: criteria provided, multiple submitters, no conflicts (2 of 4 stars). 2 submissions from 2 submitters: Pathogenic (1); Likely pathogenic (1). Last evaluated 2022-05-25.

Conditions:
ABCA4-related disorder. Also called: ABCA4-related condition; ABCA4-related disorders. Identifiers: MedGen CN239167.

Allele frequency attached by ClinVar (database versions not stated): gnomAD exomes below 0.00001 and 0.00001.

Submissions (2):

Labcorp Genetics (formerly Invitae), Labcorp
Classification: Pathogenic. Last evaluated: 2022-05-25. Review status: criteria provided, single submitter. Criteria: Invitae Variant Classification Sherloc (09022015). Collection method: clinical testing. Allele origin: germline.
Comment: For these reasons, this variant has been classified as Pathogenic. ClinVar contains an entry for this variant (Variation ID: 866198). This variant has not been reported in the literature in individuals affected with ABCA4-related conditions. This variant is present in population databases (no rsID available, gnomAD 0.003%). This sequence change creates a premature translational stop signal (p.Glu1574Glyfs*24) in the ABCA4 gene. It is expected to result in an absent or disrupted protein product. Loss-of-function variants in ABCA4 are known to be pathogenic (PMID: 10958761, 24938718, 25312043, 26780318).

Blueprint Genetics
Classification: Likely pathogenic for ABCA4-related disorders. Last evaluated: 2018-10-16. Review status: criteria provided, single submitter. Criteria: ACMG Guidelines, 2015. Collection method: clinical testing. Allele origin: germline. Affected: yes. Observed: 1 variant allele.

Literature cited by the submitters: PubMed 10958761 (cited by Labcorp Genetics (formerly Invitae), Labcorp); PubMed 24938718 (cited by Labcorp Genetics (formerly Invitae), Labcorp); PubMed 25312043 (cited by Labcorp Genetics (formerly Invitae), Labcorp); PubMed 26780318 (cited by Labcorp Genetics (formerly Invitae), Labcorp).

NM_000350.3(ABCA4):c.4715_4718dup (p.Glu1574fs)

Genes: ABCA4 (ATP binding cassette subfamily A member 4; minus strand), LOC126805793 (CDK7 strongly-dependent group 2 enhancer GRCh37_chr1:94486302-94487501; plus strand). Cytogenetic location: 1p22.1.
Variant type: Duplication.
Coding change: c.4715_4718dup on transcript NM_000350.3 (MANE Select); coding-DNA positions 4715 to 4718, 4 bases duplicated (CGGG; older notation c.4715_4718dupCGGG).
Protein change: p.Glu1574fs; shifts the reading frame from glutamic acid 1574.
Molecular consequence: frameshift variant.
Genome position (GRCh38, 1-based): chr1:94,021,901-94,021,904, CCCG duplicated on the plus strand (CGGG on the coding strand, the reverse complement: ABCA4 is on the minus strand). VCF-style (leftmost placement, unchanged base first): chr1-94021900-C-CCCCG. GRCh37 (hg19) VCF-style: chr1-94487456-C-CCCCG.
Other names: c.4493_4496dup, p.Glu1500Glyfs (NM_001425324.1); short protein forms E1574fs.
Identifiers: ClinVar variation 866198 (VCV000866198.7), dbSNP rs1340989734, ClinGen allele CA524697457.